The following is an entry in ClinVar:

ClinVar aggregate classification (germline): Uncertain significance (1 of 4 stars; one submission).

gnomAD v4.1: 9 of 1,614,014 alleles (0.00056%); highest among the groups gnomAD compares: African/African-American, 0.004%; no homozygotes.

Submission:

Labcorp Genetics (formerly Invitae), Labcorp
Classification: Uncertain significance. Last evaluated: 2025-11-13. Review status: criteria provided, single submitter. Criteria: Invitae Variant Classification Sherloc (09022015). Collection method: clinical testing. Allele origin: germline.
Comment: This sequence change replaces arginine, which is basic and polar, with glutamine, which is neutral and polar, at codon 42 of the NFE2L2 protein (p.Arg42Gln). This variant is present in population databases (no rsID available, gnomAD 0.01%). This variant has not been reported in the literature in individuals affected with NFE2L2-related conditions. An algorithm developed to predict the effect of missense changes on protein structure and function (PolyPhen-2) suggests that this variant is likely to be disruptive. In summary, the available evidence is currently insufficient to determine the role of this variant in disease. Therefore, it has been classified as a Variant of Uncertain Significance.

NM_006164.5(NFE2L2):c.125G>A (p.Arg42Gln)

Gene: NFE2L2 (NFE2 like bZIP transcription factor 2; minus strand). Cytogenetic location: 2q31.2.
Variant type: single nucleotide variant.
Coding change: c.125G>A on transcript NM_006164.5 (MANE Select); coding-DNA position 125, G replaced by A.
Protein change: p.Arg42Gln; replaces arginine 42 with glutamine.
Molecular consequence: missense variant. On other transcripts: 5 prime UTR variant (1), intron variant (1).
Genome position (GRCh38, 1-based): chr2:177,234,192, C>T on the plus strand (G>A on the coding strand, the complement: NFE2L2 is on the minus strand). VCF-style: chr2-177234192-C-T. GRCh37 (hg19) VCF-style: chr2-178098920-C-T.
Other names: c.77G>A, p.Arg26Gln (NM_001145412.3, NM_001145413.3, NM_001313900.1 and 1 more transcripts); c.125G>A, p.Arg42Gln (NM_001313902.2); c.-105G>A (NM_001313904.1); c.93+32G>A (NM_001313903.2); short protein forms R42Q, R26Q.
Identifiers: ClinVar variation 4691594 (VCV004691594.1).
Genomic context (GRCh38, chr2:177,234,192, plus strand): 5'-AGTTGTTCTTGTCTTTCCTTTTCAAGTTTTTTCTGTTTTTCCAGCTCATACTCTTTCCGT[C>T]GCTGACTGAAGTCAAATACTTCTCGACTTACTCCAAGATCTATATCTTGCCTCCAAAGTA-3'
Protein context (NP_006155.2, residues 32-52): VSREVFDFSQ[Arg42Gln]RKEYELEKQK